The following is an entry in ClinVar:

ClinVar aggregate classification (germline): Uncertain significance (1 of 4 stars; one submission).

Conditions:
Landau-Kleffner syndrome (FESD). Also called: EPILEPSY, FOCAL, WITH SPEECH DISORDER AND WITH OR WITHOUT MENTAL RETARDATION; APHASIA, ACQUIRED, WITH EPILEPSY. Identifiers: Orphanet 1945, Orphanet 725, Orphanet 98818, MedGen C0282512, MONDO:0009509, OMIM 245570.

Allele frequency attached by ClinVar (database versions not stated): gnomAD exomes below 0.00001.
gnomAD v4.1: 1 of 1,611,912 alleles (0.000062%); highest among the groups gnomAD compares: Non-Finnish European, 0.000085%; no homozygotes.

Submission:

Labcorp Genetics (formerly Invitae), Labcorp
Classification: Uncertain significance for Landau-Kleffner syndrome. Last evaluated: 2023-05-13. Review status: criteria provided, single submitter. Criteria: Invitae Variant Classification Sherloc (09022015). Collection method: clinical testing. Allele origin: germline.
Comment: In summary, the available evidence is currently insufficient to determine the role of this variant in disease. Therefore, it has been classified as a Variant of Uncertain Significance. Advanced modeling of protein sequence and biophysical properties (such as structural, functional, and spatial information, amino acid conservation, physicochemical variation, residue mobility, and thermodynamic stability) performed at Invitae indicates that this missense variant is not expected to disrupt GRIN2A protein function. This variant has not been reported in the literature in individuals affected with GRIN2A-related conditions. This variant is not present in population databases (gnomAD no frequency). This sequence change replaces isoleucine, which is neutral and non-polar, with valine, which is neutral and non-polar, at codon 36 of the GRIN2A protein (p.Ile36Val).

NM_001134407.3(GRIN2A):c.106A>G (p.Ile36Val)

Gene: GRIN2A (glutamate ionotropic receptor NMDA type subunit 2A; minus strand). Cytogenetic location: 16p13.2.
Variant type: single nucleotide variant.
Coding change: c.106A>G on transcript NM_001134407.3 (MANE Select); coding-DNA position 106, A replaced by G.
Protein change: p.Ile36Val; replaces isoleucine 36 with valine.
Molecular consequence: missense variant.
Genome position (GRCh38, 1-based): chr16:10,180,306, T>C on the plus strand (A>G on the coding strand, the complement: GRIN2A is on the minus strand). VCF-style: chr16-10180306-T-C. GRCh37 (hg19) VCF-style: chr16-10274163-T-C.
Other names: c.106A>G, p.Ile36Val (NM_000833.5, NM_001134408.2); short protein forms I36V.
Identifiers: ClinVar variation 2863835 (VCV002863835.3), dbSNP rs2544032503, ClinGen allele CA394715721.